The following is an entry in ClinVar:

NM_000517.6(HBA2):c.369C>A (p.His123Gln)

Genes: HBA2 (hemoglobin subunit alpha 2; plus strand), LOC106804612 (hemoglobin subunit alpha 2 recombination region; plus strand). Cytogenetic location: 16p13.3.
Variant type: single nucleotide variant.
Coding change: c.369C>A on transcript NM_000517.6 (MANE Select); coding-DNA position 369, C replaced by A.
Protein change: p.His123Gln; replaces histidine 123 with glutamine.
Molecular consequence: missense variant.
Genome position (GRCh38, 1-based): chr16:173,540, C>A. VCF-style: chr16-173540-C-A. GRCh37 (hg19) VCF-style: chr16-223539-C-A.
Other names: c.369C>A (NM_000517.5); short protein forms H123Q.
Identifiers: ClinVar variation 2581562 (VCV002581562.2), dbSNP rs41479347, ClinGen allele CA393994551.
Genomic context (GRCh38, chr16:173,540, plus strand): 5'-CCACTGCCTGCTGGTGACCCTGGCCGCCCACCTCCCCGCCGAGTTCACCCCTGCGGTGCA[C>A]GCCTCCCTGGACAAGTTCCTGGCTTCTGTGAGCACCGTGCTGACCTCCAAATACCGTTAA-3'
Protein context (NP_000508.1, residues 113-133): HLPAEFTPAV[His123Gln]ASLDKFLASV

ClinVar aggregate classification (germline): Conflicting classifications of pathogenicity. Review status: criteria provided, conflicting classifications (1 of 4 stars). 2 submissions from 2 submitters: Likely pathogenic (1); Uncertain significance (1). Last evaluated 2025-12-18.

Conditions:
alpha Thalassemia. Also called: Alpha thalassemia spectrum. Identifiers: Orphanet 846, MedGen C0002312, MONDO:0011399, OMIM 604131.

Submissions (2):

Natera, Inc.
Classification: Likely pathogenic for Alpha thalassemia. Last evaluated: 2025-12-18. Review status: criteria provided, single submitter. Criteria: Natera Variant Classification Schema (03/2026). Collection method: clinical testing. Allele origin: germline.
Comment: The c.369C>A variant in HBA2 is a missense variant predicted to cause substitution of histidine to glutamine at amino acid 123. This variant is rare in the general population with a frequency below the threshold expected for the associated phenotype(s). Another variant at this same site results in an alteration predicted to cause a similar molecular effect has been observed in individual(s) with the associated phenotype. Given the available evidence, this variant is classified as Likely Pathogenic.

Women's Health and Genetics/Laboratory Corporation of America, LabCorp
Classification: Uncertain significance. Last evaluated: 2023-08-08. Review status: criteria provided, single submitter. Criteria: LabCorp Variant Classification Summary - May 2015. Collection method: clinical testing. Allele origin: germline.
Comment: Variant summary: HBA2 c.369C>A (p.His123Gln) results in a non-conservative amino acid change located in the Globin (IPR000971) of the encoded protein sequence. Four of five in-silico tools predict a damaging effect of the variant on protein function. The variant allele was found at a frequency of 4e-06 in 248160 control chromosomes (gnomAD). The available data on variant occurrences in the general population are insufficient to allow any conclusion about variant significance. Another variant resulting in the same amino acid change (c.369C>G) known as Hb Westmead has been reported in the literature in individuals affected with Alpha Thalassemia without strong evidence of causality, and this variant occurs frequently in mainland China (e.g. Xiong_2010, Jiang_2020). These reports do not provide unequivocal conclusions about association of the variant with Alpha Thalassemia. To our knowledge, no experimental evidence demonstrating an impact on protein function has been reported. The following publications have been ascertained in the context of this evaluation (PMID: 20412082, 32436451). No submitters have cited clinical-significance assessments for this variant to ClinVar after 2014, although the Hb Westmead variant was classified as uncertain significance (n=4) or pathogenic (n=1). Based on the evidence outlined above, the variant was classified as uncertain significance.

Literature cited by the submitters: PubMed 20412082 (cited by Women's Health and Genetics/Laboratory Corporation of America, LabCorp); PubMed 32436451 (cited by Women's Health and Genetics/Laboratory Corporation of America, LabCorp).